The following is an entry in ClinVar:

NM_001371986.1(UNC80):c.1962+3A>G

Gene: UNC80 (unc-80 homolog, NALCN channel complex subunit; plus strand). Cytogenetic location: 2q34.
Variant type: single nucleotide variant.
Coding change: c.1962+3A>G on transcript NM_001371986.1 (MANE Select); 3 bases into the intron after coding-DNA position 1962, A replaced by G.
Molecular consequence: intron variant.
Genome position (GRCh38, 1-based): chr2:209,819,264, A>G. VCF-style: chr2-209819264-A-G. GRCh37 (hg19) VCF-style: chr2-210683988-A-G.
Other names: c.1962+3A>G (NM_032504.2, NM_182587.4).
Identifiers: ClinVar variation 1432299 (VCV001432299.3), dbSNP rs1310377310, ClinGen allele CA539389731.

ClinVar aggregate classification (germline): Uncertain significance (1 of 4 stars; one submission).

Allele frequency attached by ClinVar (database versions not stated): gnomAD 0.00001; gnomAD exomes 0.00001 and 0.00005; TOPMed 0.00002.
gnomAD v4.1: 63 of 1,541,738 alleles (0.0041%); highest among the groups gnomAD compares: Non-Finnish European, 0.0054%; no homozygotes.

Submission:

Labcorp Genetics (formerly Invitae), Labcorp
Classification: Uncertain significance. Last evaluated: 2022-02-20. Review status: criteria provided, single submitter. Criteria: Invitae Variant Classification Sherloc (09022015). Collection method: clinical testing. Allele origin: germline.
Comment: This sequence change falls in intron 12 of the UNC80 gene. It does not directly change the encoded amino acid sequence of the UNC80 protein. It affects a nucleotide within the consensus splice site. This variant is present in population databases (no rsID available, gnomAD 0.003%). This variant has not been reported in the literature in individuals affected with UNC80-related conditions. Variants that disrupt the consensus splice site are a relatively common cause of aberrant splicing (PMID: 17576681, 9536098). Algorithms developed to predict the effect of sequence changes on RNA splicing suggest that this variant may disrupt the consensus splice site. In summary, the available evidence is currently insufficient to determine the role of this variant in disease. Therefore, it has been classified as a Variant of Uncertain Significance.

Literature cited by the submitters: PubMed 17576681; PubMed 9536098.